The following is an entry in ClinVar:

NM_022367.4(SEMA4A):c.2251G>A (p.Ala751Thr)

Gene: SEMA4A (semaphorin 4A; plus strand). Cytogenetic location: 1q22.
Variant type: single nucleotide variant.
Coding change: c.2251G>A on transcript NM_022367.4 (MANE Select); coding-DNA position 2251, G replaced by A.
Protein change: p.Ala751Thr; replaces alanine 751 with threonine.
Molecular consequence: missense variant.
Genome position (GRCh38, 1-based): chr1:156,176,962, G>A. VCF-style: chr1-156176962-G-A. GRCh37 (hg19) VCF-style: chr1-156146753-G-A.
Other names: c.2251G>A, p.Ala751Thr (NM_001193300.2, NM_001193301.2, NM_001370567.1); c.1855G>A, p.Ala619Thr (NM_001193302.2); c.1954G>A, p.Ala652Thr (NM_001370568.1); c.1744G>A, p.Ala582Thr (NM_001370569.1, NM_001370571.1); short protein forms A751T, A652T, A582T, A619T.
Identifiers: ClinVar variation 292859 (VCV000292859.17), dbSNP rs747089050, ClinGen allele CA1155562.

ClinVar aggregate classification (germline): Uncertain significance. Review status: criteria provided, multiple submitters, no conflicts (2 of 4 stars). 6 submissions from 4 submitters: Uncertain significance (6). Last evaluated 2023-04-11.

Conditions:
Retinitis pigmentosa (RP). Identifiers: Orphanet 791, MedGen C0035334, MeSH D012174, MONDO:0019200, OMIM 268000. Inheritance: Autosomal dominant, autosomal recessive and X linked inheritance.
Cone-rod dystrophy 10 (CORD10). Identifiers: Orphanet 1872, MedGen C1846529, MONDO:0012464, OMIM 610283.
Retinitis pigmentosa 35 (RP35). Identifiers: Orphanet 791, MedGen C1853214, MONDO:0012463, OMIM 610282.

Allele frequency attached by ClinVar (database versions not stated): ExAC 0.00002; gnomAD exomes 0.00002 and 0.00004; TOPMed 0.00002; gnomAD 0.00006.
gnomAD v4.1: 64 of 1,612,840 alleles (0.004%); highest among the groups gnomAD compares: Non-Finnish European, 0.005%; no homozygotes.

Submissions (6):

Genome-Nilou Lab
Classification: Uncertain significance for Cone-rod dystrophy 10. Last evaluated: 2023-04-11. Review status: criteria provided, single submitter. Criteria: ACMG Guidelines, 2015. Collection method: clinical testing. Allele origin: germline. Affected: no.

Genome-Nilou Lab
Classification: Uncertain significance for Retinitis pigmentosa 35. Last evaluated: 2023-04-11. Review status: criteria provided, single submitter. Criteria: ACMG Guidelines, 2015. Collection method: clinical testing. Allele origin: germline. Affected: no.

Labcorp Genetics (formerly Invitae), Labcorp
Classification: Uncertain significance. Last evaluated: 2022-08-16. Review status: criteria provided, single submitter. Criteria: Invitae Variant Classification Sherloc (09022015). Collection method: clinical testing. Allele origin: germline.
Comment: This sequence change replaces alanine, which is neutral and non-polar, with threonine, which is neutral and polar, at codon 751 of the SEMA4A protein (p.Ala751Thr). In summary, the available evidence is currently insufficient to determine the role of this variant in disease. Therefore, it has been classified as a Variant of Uncertain Significance. Algorithms developed to predict the effect of missense changes on protein structure and function output the following: SIFT: "Deleterious"; PolyPhen-2: "Benign"; Align-GVGD: "Class C0". The threonine amino acid residue is found in multiple mammalian species, which suggests that this missense change does not adversely affect protein function. ClinVar contains an entry for this variant (Variation ID: 292859). This variant has not been reported in the literature in individuals affected with SEMA4A-related conditions. This variant is present in population databases (rs747089050, gnomAD 0.004%).

Fulgent Genetics
Classification: Uncertain significance for Retinitis pigmentosa 35; Cone-rod dystrophy 10. Last evaluated: 2021-08-06. Review status: criteria provided, single submitter. Criteria: ACMG Guidelines, 2015. Collection method: clinical testing. Allele origin: unknown.

Illumina Laboratory Services, Illumina
Classification: Uncertain significance for Cone-rod dystrophy 10. Last evaluated: 2018-01-12. Review status: criteria provided, single submitter. Criteria: ICSL Variant Classification Criteria 13 December 2019. Collection method: clinical testing. Allele origin: germline.

Illumina Laboratory Services, Illumina
Classification: Uncertain significance for Retinitis pigmentosa. Last evaluated: 2018-01-12. Review status: criteria provided, single submitter. Criteria: ICSL Variant Classification Criteria 13 December 2019. Collection method: clinical testing. Allele origin: germline.